The following is an entry in ClinVar:

NM_014363.6(SACS):c.8738T>G (p.Leu2913Ter)

Gene: SACS (sacsin molecular chaperone; minus strand). Cytogenetic location: 13q12.12.
Variant type: single nucleotide variant.
Coding change: c.8738T>G on transcript NM_014363.6 (MANE Select); coding-DNA position 8738, T replaced by G.
Protein change: p.Leu2913Ter; replaces leucine 2913 with a stop codon.
Molecular consequence: nonsense.
Genome position (GRCh38, 1-based): chr13:23,335,138, A>C on the plus strand (T>G on the coding strand, the complement: SACS is on the minus strand). VCF-style: chr13-23335138-A-C. GRCh37 (hg19) VCF-style: chr13-23909277-A-C.
Other names: c.8297T>G, p.Leu2766Ter (NM_001278055.2); c.8765T>G, p.Leu2922Ter (NM_001437336.1); short protein forms L2766*, L2913*, L2922*.
Identifiers: ClinVar variation 4874981 (VCV004874981.2).
Genomic context (GRCh38, chr13:23,335,138, plus strand): 5'-TACCGTTTTTTTAACTGTATTAGCAATTCAACATATGCAGGAGCTATTAATGCTGTCATT[A>C]AACTGTTATTCCAGTCACTTCGAACACCAACTCCATTATCATCACGCCACAGGTTCCTTC-3'

ClinVar aggregate classification (germline): Likely pathogenic (1 of 4 stars; one submission).

Submission:

CeGaT Center for Human Genetics Tuebingen
Classification: Likely pathogenic. Last evaluated: 2026-05-01. Review status: criteria provided, single submitter. Criteria: CeGaT Center For Human Genetics Tuebingen Variant Classification Criteria Version 2. Collection method: clinical testing. Allele origin: germline. Affected: yes. Observed: 1 variant allele.
Comment: SACS: PVS1:Strong, PM2